The following is an entry in ClinVar:

NM_016955.4(SEPSECS):c.1385G>C (p.Arg462Thr)

Gene: SEPSECS (Sep (O-phosphoserine) tRNA:Sec (selenocysteine) tRNA synthase; minus strand). Cytogenetic location: 4p15.2.
Variant type: single nucleotide variant.
Coding change: c.1385G>C on transcript NM_016955.4 (MANE Select); coding-DNA position 1385, G replaced by C.
Protein change: p.Arg462Thr; replaces arginine 462 with threonine.
Molecular consequence: missense variant.
Genome position (GRCh38, 1-based): chr4:25,124,052, C>G on the plus strand (G>C on the coding strand, the complement: SEPSECS is on the minus strand). VCF-style: chr4-25124052-C-G. GRCh37 (hg19) VCF-style: chr4-25125674-C-G.
Other names: c.1640G>C, p.Arg547Thr (NM_001410714.1); c.1385G>C, p.Arg462Thr (NM_153825.2); short protein forms R462T, R547T.
Identifiers: ClinVar variation 2145451 (VCV002145451.4), dbSNP rs1278481233, ClinGen allele CA356518924.

ClinVar aggregate classification (germline): Uncertain significance (1 of 4 stars; one submission).

Allele frequency attached by ClinVar (database versions not stated): gnomAD 0.00001; gnomAD exomes 0.00001; TOPMed 0.00002.
gnomAD v4.1: 19 of 1,613,712 alleles (0.0012%); highest among the groups gnomAD compares: Non-Finnish European, 0.0016%; no homozygotes.

Submission:

Labcorp Genetics (formerly Invitae), Labcorp
Classification: Uncertain significance. Last evaluated: 2024-12-02. Review status: criteria provided, single submitter. Criteria: Invitae Variant Classification Sherloc (09022015). Collection method: clinical testing. Allele origin: germline.
Comment: This sequence change replaces arginine, which is basic and polar, with threonine, which is neutral and polar, at codon 462 of the SEPSECS protein (p.Arg462Thr). This variant is present in population databases (no rsID available, gnomAD 0.0009%). This variant has not been reported in the literature in individuals affected with SEPSECS-related conditions. ClinVar contains an entry for this variant (Variation ID: 2145451). Invitae Evidence Modeling of protein sequence and biophysical properties (such as structural, functional, and spatial information, amino acid conservation, physicochemical variation, residue mobility, and thermodynamic stability) indicates that this missense variant is not expected to disrupt SEPSECS protein function with a negative predictive value of 80%. In summary, the available evidence is currently insufficient to determine the role of this variant in disease. Therefore, it has been classified as a Variant of Uncertain Significance.